The following is an entry in ClinVar:

ClinVar aggregate classification (germline): Uncertain significance (1 of 4 stars; one submission).

Allele frequency attached by ClinVar (database versions not stated): gnomAD 0.00001; TOPMed 0.00002.

Submission:

Labcorp Genetics (formerly Invitae), Labcorp
Classification: Uncertain significance. Last evaluated: 2023-11-27. Review status: criteria provided, single submitter. Criteria: Invitae Variant Classification Sherloc (09022015). Collection method: clinical testing. Allele origin: germline.
Comment: This sequence change replaces methionine, which is neutral and non-polar, with threonine, which is neutral and polar, at codon 313 of the TUBA8 protein (p.Met313Thr). This variant is not present in population databases (gnomAD no frequency). This variant has not been reported in the literature in individuals affected with TUBA8-related conditions. ClinVar contains an entry for this variant (Variation ID: 2076812). Advanced modeling of protein sequence and biophysical properties (such as structural, functional, and spatial information, amino acid conservation, physicochemical variation, residue mobility, and thermodynamic stability) performed at Invitae indicates that this missense variant is expected to disrupt TUBA8 protein function with a positive predictive value of 80%. In summary, the available evidence is currently insufficient to determine the role of this variant in disease. Therefore, it has been classified as a Variant of Uncertain Significance.

NM_018943.3(TUBA8):c.938T>C (p.Met313Thr)

Gene: TUBA8 (tubulin alpha 8; plus strand). Cytogenetic location: 22q11.21.
Variant type: single nucleotide variant.
Coding change: c.938T>C on transcript NM_018943.3 (MANE Select); coding-DNA position 938, T replaced by C.
Protein change: p.Met313Thr; replaces methionine 313 with threonine.
Molecular consequence: missense variant.
Genome position (GRCh38, 1-based): chr22:18,126,916, T>C. VCF-style: chr22-18126916-T-C. GRCh37 (hg19) VCF-style: chr22-18609683-T-C.
Other names: c.740T>C, p.Met247Thr (NM_001193414.2); short protein forms M247T, M313T.
Identifiers: ClinVar variation 2076812 (VCV002076812.4), dbSNP rs1928347949, ClinGen allele CA410265176.
Genomic context (GRCh38, chr22:18,126,916, plus strand): 5'-GCTCCTGCTTTGAGCCCAACAGCCAGATGGTGAAGTGCGACCCGAGACATGGCAAGTACA[T>C]GGCCTGCTGCATGCTCTACCGGGGCGACGTGGTGCCCAAGGATGTGAATGTCGCTATTGC-3'
Protein context (NP_061816.1, residues 303-323): VKCDPRHGKY[Met313Thr]ACCMLYRGDV